The following is an entry in ClinVar:

NM_170606.3(KMT2C):c.8834C>A (p.Ala2945Asp)

Gene: KMT2C (lysine methyltransferase 2C; minus strand). Cytogenetic location: 7q36.1.
Variant type: single nucleotide variant.
Coding change: c.8834C>A on transcript NM_170606.3 (MANE Select); coding-DNA position 8834, C replaced by A.
Protein change: p.Ala2945Asp; replaces alanine 2945 with aspartic acid.
Molecular consequence: missense variant.
Genome position (GRCh38, 1-based): chr7:152,176,619, G>T on the plus strand (C>A on the coding strand, the complement: KMT2C is on the minus strand). VCF-style: chr7-152176619-G-T. GRCh37 (hg19) VCF-style: chr7-151873704-G-T.
Other names: short protein forms A2945D.
Identifiers: ClinVar variation 1380401 (VCV001380401.6), dbSNP rs1460811620, ClinGen allele CA370077140.

ClinVar aggregate classification (germline): Uncertain significance (1 of 4 stars; one submission).

Allele frequency attached by ClinVar (database versions not stated): TOPMed below 0.00001.

Submission:

Labcorp Genetics (formerly Invitae), Labcorp
Classification: Uncertain significance. Last evaluated: 2023-05-22. Review status: criteria provided, single submitter. Criteria: Invitae Variant Classification Sherloc (09022015). Collection method: clinical testing. Allele origin: germline.
Comment: This variant is not present in population databases (gnomAD no frequency). This variant has not been reported in the literature in individuals affected with KMT2C-related conditions. ClinVar contains an entry for this variant (Variation ID: 1380401). Advanced modeling of protein sequence and biophysical properties (such as structural, functional, and spatial information, amino acid conservation, physicochemical variation, residue mobility, and thermodynamic stability) performed at Invitae indicates that this missense variant is not expected to disrupt KMT2C protein function. In summary, the available evidence is currently insufficient to determine the role of this variant in disease. Therefore, it has been classified as a Variant of Uncertain Significance. This sequence change replaces alanine, which is neutral and non-polar, with aspartic acid, which is acidic and polar, at codon 2945 of the KMT2C protein (p.Ala2945Asp).